The following is an entry in ClinVar:

ClinVar aggregate classification (germline): Uncertain significance (1 of 4 stars; one submission).

Submission:

Labcorp Genetics (formerly Invitae), Labcorp
Classification: Uncertain significance. Last evaluated: 2022-01-20. Review status: criteria provided, single submitter. Criteria: Invitae Variant Classification Sherloc (09022015). Collection method: clinical testing. Allele origin: germline.
Comment: In summary, the available evidence is currently insufficient to determine the role of this variant in disease. Therefore, it has been classified as a Variant of Uncertain Significance. Advanced modeling of protein sequence and biophysical properties (such as structural, functional, and spatial information, amino acid conservation, physicochemical variation, residue mobility, and thermodynamic stability) performed at Invitae indicates that this missense variant is not expected to disrupt ROBO2 protein function. This variant has not been reported in the literature in individuals affected with ROBO2-related conditions. This variant is not present in population databases (gnomAD no frequency). This sequence change replaces serine, which is neutral and polar, with leucine, which is neutral and non-polar, at codon 1331 of the ROBO2 protein (p.Ser1331Leu).

NM_001395656.1(ROBO2):c.4277C>T (p.Ser1426Leu)

Gene: ROBO2 (roundabout guidance receptor 2; plus strand). Cytogenetic location: 3p12.3.
Variant type: single nucleotide variant.
Coding change: c.4277C>T on transcript NM_001395656.1 (MANE Select); coding-DNA position 4277, C replaced by T.
Protein change: p.Ser1426Leu; replaces serine 1426 with leucine.
Molecular consequence: missense variant.
Genome position (GRCh38, 1-based): chr3:77,644,761, C>T. VCF-style: chr3-77644761-C-T. GRCh37 (hg19) VCF-style: chr3-77693912-C-T.
Other names: c.4040C>T, p.Ser1347Leu (NM_001128929.3); c.4004C>T, p.Ser1335Leu (NM_001290039.2); c.4187C>T, p.Ser1396Leu (NM_001290040.2, NM_001395657.1); c.2213C>T, p.Ser738Leu (NM_001290065.2); c.4325C>T, p.Ser1442Leu (NM_001378190.1); c.4451C>T, p.Ser1484Leu (NM_001378191.1); c.4346C>T, p.Ser1449Leu (NM_001378192.1); c.4265C>T, p.Ser1422Leu (NM_001378193.1); and 11 more; short protein forms S1332L, S1351L, S1354L, S1358L, S1422L, S1373L, S1442L, S1487L.
Identifiers: ClinVar variation 2088440 (VCV002088440.4), dbSNP rs2472288783, ClinGen allele CA353533394.